The following is an entry in ClinVar:

ClinVar aggregate classification (germline): Likely benign. Review status: criteria provided, multiple submitters, no conflicts (2 of 4 stars). 3 submissions from 3 submitters: Likely benign (2). 1 of the submissions does not count toward it. Last evaluated 2025-08-12.

Conditions:
MACF1-related disorder. Also called: MACF1-related condition.
Inborn genetic diseases. Identifiers: MedGen C0950123, MeSH D030342.

Allele frequency attached by ClinVar (database versions not stated): gnomAD exomes 0.00002; 1000 Genomes Project 0.00020; ESP Exome Variant Server 0.00038; gnomAD 0.00041; ExAC 0.00012; TOPMed 0.00043; 1000 Genomes Project 30x 0.00062.
gnomAD v4.1: 103 of 1,614,086 alleles (0.0064%); highest among the groups gnomAD compares: African/African-American, 0.12%; no homozygotes.

Submissions (3):

Labcorp Genetics (formerly Invitae), Labcorp
Classification: Likely benign. Last evaluated: 2025-08-12. Review status: criteria provided, single submitter. Criteria: Invitae Variant Classification Sherloc (09022015). Collection method: clinical testing. Allele origin: germline.

Ambry Genetics
Classification: Likely benign for Inborn genetic diseases. Last evaluated: 2021-07-14. Review status: criteria provided, single submitter. Criteria: Ambry Variant Classification Scheme 2023. Collection method: clinical testing. Allele origin: germline.

PreventionGenetics, part of Exact Sciences
Classification: Likely benign for MACF1-related condition. Last evaluated: 2022-05-27. Review status: no assertion criteria provided. Collection method: clinical testing. Allele origin: germline. Not counted in ClinVar's aggregate classification.
Comment: This variant is classified as likely benign based on ACMG/AMP sequence variant interpretation guidelines (Richards et al. 2015 PMID: 25741868, with internal and published modifications).

NM_001394062.1(MACF1):c.11080C>T (p.Leu3694Phe)

Gene: MACF1 (microtubule actin crosslinking factor 1; plus strand). Cytogenetic location: 1p34.3.
Variant type: single nucleotide variant.
Coding change: c.11080C>T on transcript NM_001394062.1 (MANE Select); coding-DNA position 11080, C replaced by T.
Protein change: p.Leu3694Phe; replaces leucine 3694 with phenylalanine.
Molecular consequence: missense variant.
Genome position (GRCh38, 1-based): chr1:39,350,899, C>T. VCF-style: chr1-39350899-C-T. GRCh37 (hg19) VCF-style: chr1-39816571-C-T.
Other names: c.4894C>T, p.Leu1632Phe (NM_012090.5); short protein forms L1632F, L3694F.
Identifiers: ClinVar variation 2357580 (VCV002357580.7), dbSNP rs146297503, ClinGen allele CA781507.